The following is an entry in ClinVar:

ClinVar aggregate classification (germline): Likely benign. Review status: criteria provided, multiple submitters, no conflicts (2 of 4 stars). 2 submissions from 2 submitters: Likely benign (2). Last evaluated 2026-07-06.

Conditions:
TTN-related disorder. Also called: TTN-related condition; TTN-related disease; TTN-related disorders.

Submissions (2):

PreventionGenetics, part of Exact Sciences
Classification: Likely benign for TTN-related condition. Last evaluated: 2026-07-06. Review status: criteria provided, single submitter. Criteria: ACMG Guidelines, 2015. Collection method: clinical testing. Allele origin: germline.
Comment: This variant is classified as likely benign based on ACMG/AMP sequence variant interpretation guidelines (Richards et al. 2015 PMID: 25741868, with internal and published modifications).

GeneDx
Classification: Likely benign. Last evaluated: 2020-04-13. Review status: criteria provided, single submitter. Criteria: GeneDx Variant Classification Process June 2021. Collection method: clinical testing. Allele origin: germline. Affected: yes.

NM_001267550.2(TTN):c.2493+6_2493+8del

Gene: TTN (titin; minus strand). Cytogenetic location: 2q31.2.
Variant type: Microsatellite.
Coding change: c.2493+6_2493+8del on transcript NM_001267550.2 (MANE Select); bases 6 to 8 of the intron after coding-DNA position 2493, 3 bases deleted (AAG; older notation c.2493+6_2493+8delAAG).
Molecular consequence: intron variant.
Genome position (GRCh38, 1-based): chr2:178,785,612-178,785,614, CTT deleted on the plus strand (AAG on the coding strand, the reverse complement: TTN is on the minus strand); deleting any 3 consecutive bases within chr2:178,785,612-178,785,617 gives the same sequence; the c. name uses the placement nearest the transcript's 3' end. VCF-style (leftmost placement, unchanged base first): chr2-178785611-ACTT-A. GRCh37 (hg19) VCF-style: chr2-179650338-ACTT-A.
Other names: c.2493+6_2493+8delAAG (NM_001267550.2, NM_001256850.1); c.2355+6_2355+8del (NM_003319.4, NM_133437.4, NM_133432.3); c.2493+6_2493+8del (NM_133378.4, NM_001256850.1, NM_133379.5).
Identifiers: ClinVar variation 515436 (VCV000515436.4), dbSNP rs1238359547, ClinGen allele CA349497683.